The following is an entry in ClinVar:

ClinVar aggregate classification (germline): Likely pathogenic. Review status: reviewed by expert panel (3 of 4 stars). 4 submissions from 4 submitters: Likely pathogenic (1). 3 of the submissions do not count toward it. Last evaluated 2020-07-03.

Conditions:
Phenylketonuria (PKU). Also called: OLIGOPHRENIA PHENYLPYRUVICA; Phenylketonurias; FOLLING DISEASE; Phenylketonuria (PKU). Identifiers: Orphanet 716, MedGen C0031485, MONDO:0009861, OMIM 261600. Disease mechanism: loss of function.

Submissions (4):

ClinGen PAH Variant Curation Expert Panel
Classification: Likely pathogenic for Phenylketonuria. Last evaluated: 2020-07-03. Review status: reviewed by expert panel. Criteria: ClinGen PAH ACMG Specifications v1. Collection method: curation. Allele origin: germline. Inheritance: Autosomal recessive inheritance.
Comment: The NM_000277.3:c.1262T>G (p.Ile421Ser) variant is a missense variant in exon 12/13 of PAH. BH4 deficiency was excluded by urinary pterins and dihydropterine reductase assays (PMID: 22526846) (PM3; PP4_Moderate). The variant is absent from ethnically diverse control databases, including gnomAD/ExAC, 1000 Genomes, and ESP (PM2). The variant is predicted damaging by multiple in-silico missense predictors, including REVEL (REVEL score 0.969) (PP3). Classification: Likely Pathogenic Supporting Criteria: PM2; PM3; PP4_Moderate; PP3

Women's Health and Genetics/Laboratory Corporation of America, LabCorp
Classification: Uncertain significance. Last evaluated: 2025-07-30. Review status: criteria provided, single submitter. Criteria: LabCorp Variant Classification Summary - May 2015. Collection method: clinical testing. Allele origin: germline. Not counted in ClinVar's aggregate classification.
Comment: Variant summary: PAH c.1262T>G (p.Ile421Ser) results in a non-conservative amino acid change located in the aromatic amino acid hydroxylase, C-terminal (IPR0197740 domain of the encoded protein sequence. Algorithms developed to predict the effect of missense changes on protein structure and function all suggest that this variant is likely to be disruptive. The variant was absent in 251444 control chromosomes (gnomAD). c.1262T>G has been reported in the literature in at least an individual affected with Phenylalanine Hydroxylase Deficiency (Phenylketonuria; example: Sterl_2013). This data does not allow any conclusion about variant significance. To our knowledge, no experimental evidence demonstrating an impact on protein function has been reported. A different variant (c.1262T>C; p.Ile421Thr) affecting the same codon has been classified as pathogenic in ClinVar (Variation ID: 102582), supporting the critical relevance of codon 421 to PAH protein function. The following publication haS been ascertained in the context of this evaluation (PMID: 22526846). ClinVar contains an entry for this variant (Variation ID: 639999). Based on the evidence outlined above, the variant was classified as VUS-possibly pathogenic.

Labcorp Genetics (formerly Invitae), Labcorp
Classification: Uncertain significance for Phenylketonuria. Last evaluated: 2021-08-28. Review status: criteria provided, single submitter. Criteria: Invitae Variant Classification Sherloc (09022015). Collection method: clinical testing. Allele origin: germline. Not counted in ClinVar's aggregate classification.

Natera, Inc.
Classification: Uncertain significance for Phenylketonuria. Last evaluated: 2020-09-04. Review status: no assertion criteria provided. Collection method: clinical testing. Allele origin: germline. Not counted in ClinVar's aggregate classification.

Literature cited by the submitters: PubMed 22526846 (cited by Women's Health and Genetics/Laboratory Corporation of America, LabCorp).

NM_000277.3(PAH):c.1262T>G (p.Ile421Ser)

Gene: PAH (phenylalanine hydroxylase; minus strand). Cytogenetic location: 12q23.2.
Variant type: single nucleotide variant.
Coding change: c.1262T>G on transcript NM_000277.3 (MANE Select); coding-DNA position 1262, T replaced by G.
Protein change: p.Ile421Ser; replaces isoleucine 421 with serine.
Molecular consequence: missense variant.
Genome position (GRCh38, 1-based): chr12:102,840,453, A>C on the plus strand (T>G on the coding strand, the complement: PAH is on the minus strand). VCF-style: chr12-102840453-A-C. GRCh37 (hg19) VCF-style: chr12-103234231-A-C.
Other names: c.1262T>G, p.Ile421Ser (NM_001354304.2); short protein forms I421S.
Identifiers: ClinVar variation 639999 (VCV000639999.10), dbSNP rs199475696, ClinGen allele CA16020986.
Genomic context (GRCh38, chr12:102,840,453, plus strand): 5'-TACTTACTGTTAATGGAATCAGCCAAAATCTTAAGCTGCTGGGTATTGTCCAAGACCTCA[A>C]TCCTTTGGGTGTATGGGTCGTAGCGAACTGAGAAGGGCCGAGGTATTGTGGCAGCAAAGT-3'
Protein context (NP_000268.1, residues 411-431): SVRYDPYTQR[Ile421Ser]EVLDNTQQLK